The following is an entry in ClinVar:

ClinVar aggregate classification (germline): Likely pathogenic (1 of 4 stars; one submission).

Submission:

Quest Diagnostics Nichols Institute San Juan Capistrano
Classification: Likely pathogenic. Last evaluated: 2024-08-14. Review status: criteria provided, single submitter. Criteria: Quest Diagnostics criteria. Collection method: clinical testing. Allele origin: unknown.
Comment: The APC c.4792_4803delinsTG (p.Ala1598Cysfs*49) variant alters the translational reading frame of the APC mRNA and is predicted to cause the premature termination of APC protein synthesis. This variant has not been reported in individuals with APC-related conditions in the published literature. This variant has not been reported in large, multi-ethnic general populations (Genome Aggregation Database). Based on the available information, this variant is classified as likely pathogenic.

NM_000038.6(APC):c.4792_4803delinsTG (p.Ala1598fs)

Gene: APC (APC regulator of WNT signaling pathway; plus strand). Cytogenetic location: 5q22.2.
Variant type: Indel.
Coding change: c.4792_4803delinsTG on transcript NM_000038.6 (MANE Select); coding-DNA positions 4792 to 4803, GCTTCAAAATTA replaced by TG.
Protein change: p.Ala1598fs; shifts the reading frame from alanine 1598.
Molecular consequence: frameshift variant. On other transcripts: non-coding transcript variant (2).
Genome position (GRCh38, 1-based): chr5:112,840,386-112,840,397, GCTTCAAAATTA replaced by TG. VCF-style: chr5-112840386-GCTTCAAAATTA-TG. GRCh37 (hg19) VCF-style: chr5-112176083-GCTTCAAAATTA-TG.
Other names: c.4792_4803delinsTG, p.Ala1598fs (NM_001127510.3, NM_001354895.2, NM_001407450.1); c.4738_4749delinsTG, p.Ala1580fs (NM_001127511.3); c.4846_4857delinsTG, p.Ala1616fs (NM_001354896.2, NM_001407447.1, NM_001407448.1 and 1 more transcripts); c.4822_4833delinsTG, p.Ala1608fs (NM_001354897.2); c.4717_4728delinsTG, p.Ala1573fs (NM_001354898.2); c.4708_4719delinsTG, p.Ala1570fs (NM_001354899.2); c.4669_4680delinsTG, p.Ala1557fs (NM_001354900.2); c.4615_4626delinsTG, p.Ala1539fs (NM_001354901.2, NM_001407453.1); and 11 more; short protein forms A1472fs, A1497fs, A1539fs, A1214fs, A1315fs, A1557fs, A1570fs, A1588fs.
Identifiers: ClinVar variation 3572365 (VCV003572365.1).